The following is an entry in ClinVar:

NM_005751.5(AKAP9):c.6596A>G (p.Asp2199Gly)

Gene: AKAP9 (A-kinase anchoring protein 9; plus strand). Cytogenetic location: 7q21.2.
Variant type: single nucleotide variant.
Coding change: c.6596A>G on transcript NM_005751.5 (MANE Select); coding-DNA position 6596, A replaced by G.
Protein change: p.Asp2199Gly; replaces aspartic acid 2199 with glycine.
Molecular consequence: missense variant.
Genome position (GRCh38, 1-based): chr7:92,070,993, A>G. VCF-style: chr7-92070993-A-G. GRCh37 (hg19) VCF-style: chr7-91700307-A-G.
Other names: c.1241A>G, p.Asp414Gly (NM_001379277.1); c.6572A>G, p.Asp2191Gly (NM_147185.3); short protein forms D2199G, D414G, D2191G.
Identifiers: ClinVar variation 2856243 (VCV002856243.3), dbSNP rs757882427, ClinGen allele CA368134556.

ClinVar aggregate classification (germline): Uncertain significance (1 of 4 stars; one submission).

Conditions:
Long QT syndrome (LQTS). Identifiers: MedGen C0023976, MeSH D008133, MONDO:0002442. Disease mechanism: loss of function. Inheritance: Various modes of inheritance.

Submission:

Labcorp Genetics (formerly Invitae), Labcorp
Classification: Uncertain significance for Long QT syndrome. Last evaluated: 2023-04-21. Review status: criteria provided, single submitter. Criteria: Invitae Variant Classification Sherloc (09022015). Collection method: clinical testing. Allele origin: germline.
Comment: This variant is not present in population databases (gnomAD no frequency). This variant has not been reported in the literature in individuals affected with AKAP9-related conditions. An algorithm developed to predict the effect of missense changes on protein structure and function (PolyPhen-2) suggests that this variant is likely to be disruptive. In summary, the available evidence is currently insufficient to determine the role of this variant in disease. Therefore, it has been classified as a Variant of Uncertain Significance. This sequence change replaces aspartic acid, which is acidic and polar, with glycine, which is neutral and non-polar, at codon 2199 of the AKAP9 protein (p.Asp2199Gly).